The following is an entry in ClinVar:

NM_003000.3(SDHB):c.737T>G (p.Ile246Ser)

Gene: SDHB (succinate dehydrogenase complex iron sulfur subunit B; minus strand). Cytogenetic location: 1p36.13.
Variant type: single nucleotide variant.
Coding change: c.737T>G on transcript NM_003000.3 (MANE Select); coding-DNA position 737, T replaced by G.
Protein change: p.Ile246Ser; replaces isoleucine 246 with serine.
Molecular consequence: missense variant.
Genome position (GRCh38, 1-based): chr1:17,022,636, A>C on the plus strand (T>G on the coding strand, the complement: SDHB is on the minus strand). VCF-style: chr1-17022636-A-C. GRCh37 (hg19) VCF-style: chr1-17349131-A-C.
Other names: c.737T>G (NM_003000.2); short protein forms I246S.
Identifiers: ClinVar variation 1005286 (VCV001005286.7), dbSNP rs1570944778, ClinGen allele CA338270115.

ClinVar aggregate classification (germline): Uncertain significance. Review status: criteria provided, multiple submitters, no conflicts (2 of 4 stars). 2 submissions from 2 submitters: Uncertain significance (2). Last evaluated 2026-04-17.

Conditions:
Hereditary cancer-predisposing syndrome. Also called: Neoplastic Syndromes, Hereditary; Hereditary Cancer Syndrome; Hereditary neoplastic syndrome; Tumor predisposition. Identifiers: Orphanet 140162, MedGen C0027672, MeSH D009386, MONDO:0015356.
Pheochromocytoma/paraganglioma syndrome 4. Also called: CAROTID BODY TUMORS AND MULTIPLE EXTRAADRENAL PHEOCHROMOCYTOMAS; SDHB-Related Hereditary Paraganglioma-Pheochromocytoma Syndrome; Paragangliomas 4; SDHB-Related Hereditary Paraganglioma-Pheochromocytoma Syndrome (Paragangliomas 4); PARAGANGLIOMA, FAMILIAL MALIGNANT; PARAGANGLIOMAS, HEREDITARY EXTRAADRENAL. Identifiers: Orphanet 29072, MedGen C1861848, MONDO:0007273, OMIM 115310.
Gastrointestinal stromal tumor. Also called: Gastrointestinal stromal tumor, somatic; Gastrointestinal stroma tumor. Identifiers: Orphanet 44890, MedGen C0238198, MeSH D046152, MONDO:0011719, OMIM 606764, HP:0100723.
Pheochromocytoma. Also called: MAX-Related Hereditary Paraganglioma-Pheochromocytoma Syndrome. Identifiers: Orphanet 29072, MedGen C0031511, MONDO:0008233, OMIM 171300, HP:0002666.

Submissions (2):

Ambry Genetics
Classification: Uncertain significance for Hereditary cancer-predisposing syndrome. Last evaluated: 2026-04-17. Review status: criteria provided, single submitter. Criteria: Ambry Variant Classification Scheme 2023. Collection method: clinical testing. Allele origin: germline.
Comment: The p.I246S variant (also known as c.737T>G), located in coding exon 7 of the SDHB gene, results from a T to G substitution at nucleotide position 737. The isoleucine at codon 246 is replaced by serine, an amino acid with dissimilar properties. This amino acid position is highly conserved in available vertebrate species. In addition, this alteration is predicted to be deleterious by in silico analysis. Based on the available evidence, the clinical significance of this variant remains unclear.

Labcorp Genetics (formerly Invitae), Labcorp
Classification: Uncertain significance for Gastrointestinal stromal tumor; Pheochromocytoma/paraganglioma syndrome 4; Pheochromocytoma. Last evaluated: 2022-08-22. Review status: criteria provided, single submitter. Criteria: Invitae Variant Classification Sherloc (09022015). Collection method: clinical testing. Allele origin: germline.
Comment: This sequence change replaces isoleucine, which is neutral and non-polar, with serine, which is neutral and polar, at codon 246 of the SDHB protein (p.Ile246Ser). In summary, the available evidence is currently insufficient to determine the role of this variant in disease. Therefore, it has been classified as a Variant of Uncertain Significance. Advanced modeling of protein sequence and biophysical properties (such as structural, functional, and spatial information, amino acid conservation, physicochemical variation, residue mobility, and thermodynamic stability) performed at Invitae indicates that this missense variant is expected to disrupt SDHB protein function. ClinVar contains an entry for this variant (Variation ID: 1005286). This variant has not been reported in the literature in individuals affected with SDHB-related conditions. This variant is not present in population databases (gnomAD no frequency).